The following is an entry in ClinVar:

NM_206933.4(USH2A):c.1784T>C (p.Phe595Ser)

Gene: USH2A (usherin; minus strand). Cytogenetic location: 1q41.
Variant type: single nucleotide variant.
Coding change: c.1784T>C on transcript NM_206933.4 (MANE Select); coding-DNA position 1784, T replaced by C.
Protein change: p.Phe595Ser; replaces phenylalanine 595 with serine.
Molecular consequence: missense variant.
Genome position (GRCh38, 1-based): chr1:216,292,231, A>G on the plus strand (T>C on the coding strand, the complement: USH2A is on the minus strand). VCF-style: chr1-216292231-A-G. GRCh37 (hg19) VCF-style: chr1-216465573-A-G.
Other names: c.1784T>C, p.Phe595Ser (NM_007123.6); short protein forms F595S.
Identifiers: ClinVar variation 179735 (VCV000179735.17), dbSNP rs200496467, ClinGen allele CA185025.

ClinVar aggregate classification (germline): Conflicting classifications of pathogenicity. Review status: criteria provided, conflicting classifications (1 of 4 stars). 6 submissions from 6 submitters: Uncertain significance (4); Likely benign (2). Last evaluated 2026-05-18.

Conditions:
USH2A-related disorder. Also called: USH2A-related condition; USH2A-related disorders. Identifiers: MedGen CN239332.
Inborn genetic diseases. Identifiers: MedGen C0950123, MeSH D030342.

Allele frequency attached by ClinVar (database versions not stated): gnomAD exomes 0.00002; ExAC 0.00003; gnomAD 0.00033; TOPMed 0.00071; 1000 Genomes Project 30x 0.00078; 1000 Genomes Project 0.00080.
gnomAD v4.1: 86 of 1,614,088 alleles (0.0053%); highest among the groups gnomAD compares: Admixed American, 0.11%; no homozygotes.

Submissions (6):

PreventionGenetics, part of Exact Sciences
Classification: Uncertain significance for USH2A-related condition. Last evaluated: 2026-05-18. Review status: criteria provided, single submitter. Criteria: ACMG Guidelines, 2015. Collection method: clinical testing. Allele origin: germline.
Comment: The USH2A c.1784T>C variant is predicted to result in the amino acid substitution p.Phe595Ser. To our knowledge, this variant has not been reported in the literature. This variant is present in 0.014% of alleles in individuals of Latino descent in gnomAD. At this time, the clinical significance of this variant is uncertain due to the absence of conclusive functional and genetic evidence.

GeneDx
Classification: Uncertain significance. Last evaluated: 2026-02-12. Review status: criteria provided, single submitter. Criteria: GeneDx Variant Classification Process June 2021. Collection method: clinical testing. Allele origin: germline. Affected: yes.
Comment: In silico analysis suggests that this missense variant does not alter protein structure/function; Has not been previously published as pathogenic or benign to our knowledge

Labcorp Genetics (formerly Invitae), Labcorp
Classification: Uncertain significance. Last evaluated: 2025-01-13. Review status: criteria provided, single submitter. Criteria: Invitae Variant Classification Sherloc (09022015). Collection method: clinical testing. Allele origin: germline.
Comment: This sequence change replaces phenylalanine, which is neutral and non-polar, with serine, which is neutral and polar, at codon 595 of the USH2A protein (p.Phe595Ser). This variant is present in population databases (rs200496467, gnomAD 0.02%). This variant has not been reported in the literature in individuals affected with USH2A-related conditions. ClinVar contains an entry for this variant (Variation ID: 179735). Invitae Evidence Modeling of protein sequence and biophysical properties (such as structural, functional, and spatial information, amino acid conservation, physicochemical variation, residue mobility, and thermodynamic stability) indicates that this missense variant is not expected to disrupt USH2A protein function with a negative predictive value of 95%. In summary, the available evidence is currently insufficient to determine the role of this variant in disease. Therefore, it has been classified as a Variant of Uncertain Significance.

Blueprint Genetics
Classification: Likely benign. Last evaluated: 2024-08-27. Review status: criteria provided, single submitter. Criteria: ACMG Guidelines, 2015. Collection method: clinical testing. Allele origin: germline.

Ambry Genetics
Classification: Uncertain significance for Inborn genetic diseases. Last evaluated: 2024-01-04. Review status: criteria provided, single submitter. Criteria: Ambry Variant Classification Scheme 2023. Collection method: clinical testing. Allele origin: germline.

Laboratory for Molecular Medicine, Mass General Brigham Personalized Medicine
Classification: Likely benign. Last evaluated: 2014-05-11. Review status: criteria provided, single submitter. Criteria: LMM Criteria. Collection method: clinical testing. Allele origin: germline. Observed: 2 variant alleles.
Comment: Phe595Ser in exon 10 of USH2A: This variant is not expected to have clinical sig nificance due to a lack of conservation across species, including mammals. Of no te, at least nine mammals including a primate has Ser at this position despite h igh nearby amino acid conservation. It has also been identified in 1.8% (2/110) Puerto Rican chromosomes by the 1000 Genomes Project (dbSNP rs200496467).